The following is an entry in ClinVar:

ClinVar aggregate classification (germline): Uncertain significance (1 of 4 stars; one submission).

Conditions:
Nemaline myopathy 2 (NEM2). Also called: Nemaline myopathy 2, autosomal recessive. Identifiers: MedGen C1850569, MONDO:0009725, OMIM 256030.

Submission:

Labcorp Genetics (formerly Invitae), Labcorp
Classification: Uncertain significance for Nemaline myopathy 2. Last evaluated: 2021-11-23. Review status: criteria provided, single submitter. Criteria: Invitae Variant Classification Sherloc (09022015). Collection method: clinical testing. Allele origin: germline.
Comment: This variant has not been reported in the literature in individuals affected with NEB-related conditions. In summary, the available evidence is currently insufficient to determine the role of this variant in disease. Therefore, it has been classified as a Variant of Uncertain Significance. Algorithms developed to predict the effect of missense changes on protein structure and function are either unavailable or do not agree on the potential impact of this missense change (SIFT: "Deleterious"; PolyPhen-2: "Not Available"; Align-GVGD: "Class C0"). This variant is not present in population databases (gnomAD no frequency). This sequence change replaces proline, which is neutral and non-polar, with serine, which is neutral and polar, at codon 7618 of the NEB protein (p.Pro7618Ser).

NM_001164508.2(NEB):c.22747C>T (p.Pro7583Ser)

Genes: NEB (nebulin; minus strand), RIF1 (replication timing regulatory factor 1; plus strand). Cytogenetic location: 2q23.3.
Variant type: single nucleotide variant.
Coding change: c.22747C>T on transcript NM_001164508.2 (MANE Select); coding-DNA position 22747, C replaced by T.
Protein change: p.Pro7583Ser; replaces proline 7583 with serine.
Molecular consequence: missense variant.
Genome position (GRCh38, 1-based): chr2:151,518,371, G>A on the plus strand (C>T on the coding strand, the complement: NEB is on the minus strand). VCF-style: chr2-151518371-G-A. GRCh37 (hg19) VCF-style: chr2-152374885-G-A.
Other names: c.22747C>T, p.Pro7583Ser (NM_001164507.2); c.22852C>T, p.Pro7618Ser (NM_001271208.2); c.17644C>T, p.Pro5882Ser (NM_004543.5); short protein forms P7583S, P5882S, P7618S.
Identifiers: ClinVar variation 1353207 (VCV001353207.6), dbSNP rs2153380639, ClinGen allele CA348759454.